The following is an entry in ClinVar:

ClinVar aggregate classification (germline): Pathogenic (1 of 4 stars; one submission).

Conditions:
Charcot-Marie-Tooth disease type 4. Also called: Charcot-Marie-Tooth, Type 4; Charcot-Marie-Tooth disease, type IV. Identifiers: Orphanet 64749, MedGen C4082197, MONDO:0018995.

Submission:

Labcorp Genetics (formerly Invitae), Labcorp
Classification: Pathogenic for Charcot-Marie-Tooth disease type 4. Last evaluated: 2019-11-18. Review status: criteria provided, single submitter. Criteria: Invitae Variant Classification Sherloc (09022015). Collection method: clinical testing. Allele origin: germline.
Comment: This sequence change creates a premature translational stop signal (p.Tyr806*) in the SH3TC2 gene. It is expected to result in an absent or disrupted protein product. This variant is not present in population databases (ExAC no frequency). This variant has not been reported in the literature in individuals with SH3TC2-related disease. Algorithms developed to predict the effect of sequence changes on RNA splicing suggest that this variant may create or strengthen a splice site, but this prediction has not been confirmed by published transcriptional studies. Loss-of-function variants in SH3TC2 are known to be pathogenic (PMID: 27068304). For these reasons, this variant has been classified as Pathogenic.

Literature cited by the submitters: PubMed 27068304.

NM_024577.4(SH3TC2):c.2418T>G (p.Tyr806Ter)

Gene: SH3TC2 (SH3 domain and tetratricopeptide repeats 2; minus strand). Cytogenetic location: 5q32.
Variant type: single nucleotide variant.
Coding change: c.2418T>G on transcript NM_024577.4 (MANE Select); coding-DNA position 2418, T replaced by G.
Protein change: p.Tyr806Ter; replaces tyrosine 806 with a stop codon.
Molecular consequence: nonsense.
Genome position (GRCh38, 1-based): chr5:149,027,314, A>C on the plus strand (T>G on the coding strand, the complement: SH3TC2 is on the minus strand). VCF-style: chr5-149027314-A-C. GRCh37 (hg19) VCF-style: chr5-148406877-A-C.
Other names: short protein forms Y806*.
Identifiers: ClinVar variation 566412 (VCV000566412.8), dbSNP rs1561764735, ClinGen allele CA361666407.
Genomic context (GRCh38, chr5:149,027,314, plus strand): 5'-CAGGGAGCATAGCAGTGGCTCAAGCACATCCAAAGCCTTCTTGGCCTGGCTGGCTAAGAG[A>C]TAGGCCCATGCCAGGCAGAGAGAAGACTCAAAGGATTCCTGCTCACCCAGCAGCTGCCCT-3'